The following is an entry in ClinVar:

ClinVar aggregate classification (germline): Uncertain significance (1 of 4 stars; one submission).

Allele frequency attached by ClinVar (database versions not stated): gnomAD exomes below 0.00001.
gnomAD v4.1: 2 of 1,614,174 alleles (0.00012%); highest among the groups gnomAD compares: Non-Finnish European, 0.00017%; no homozygotes.

Submission:

GeneDx
Classification: Uncertain significance. Last evaluated: 2022-07-19. Review status: criteria provided, single submitter. Criteria: GeneDx Variant Classification Process June 2021. Collection method: clinical testing. Allele origin: germline. Affected: yes.
Comment: Not observed at significant frequency in large population cohorts (gnomAD); In silico analysis supports a deleterious effect on splicing; In silico analysis supports that this missense variant does not alter protein structure/function; Has not been previously published as pathogenic or benign to our knowledge

NM_020436.5(SALL4):c.2360C>T (p.Ala787Val)

Gene: SALL4 (spalt like transcription factor 4; minus strand). Cytogenetic location: 20q13.2.
Variant type: single nucleotide variant.
Coding change: c.2360C>T on transcript NM_020436.5 (MANE Select); coding-DNA position 2360, C replaced by T.
Protein change: p.Ala787Val; replaces alanine 787 with valine.
Molecular consequence: missense variant. On other transcripts: intron variant (1).
Genome position (GRCh38, 1-based): chr20:51,790,123, G>A on the plus strand (C>T on the coding strand, the complement: SALL4 is on the minus strand). VCF-style: chr20-51790123-G-A. GRCh37 (hg19) VCF-style: chr20-50406662-G-A.
Other names: c.1151-982C>T (NM_001318031.2); short protein forms A787V.
Identifiers: ClinVar variation 2136207 (VCV002136207.1), dbSNP rs1185482058, ClinGen allele CA409007586.